The following is an entry in ClinVar:

ClinVar aggregate classification (germline): Uncertain significance (1 of 4 stars; one submission).

Allele frequency attached by ClinVar (database versions not stated): TOPMed below 0.00001; gnomAD exomes 0.00001; ExAC 0.00003.
gnomAD v4.1: 7 of 1,593,324 alleles (0.00044%); highest among the groups gnomAD compares: South Asian, 0.0011%; no homozygotes.

Submission:

Labcorp Genetics (formerly Invitae), Labcorp
Classification: Uncertain significance. Last evaluated: 2023-05-23. Review status: criteria provided, single submitter. Criteria: Invitae Variant Classification Sherloc (09022015). Collection method: clinical testing. Allele origin: germline.
Comment: In summary, the available evidence is currently insufficient to determine the role of this variant in disease. Therefore, it has been classified as a Variant of Uncertain Significance. Advanced modeling of protein sequence and biophysical properties (such as structural, functional, and spatial information, amino acid conservation, physicochemical variation, residue mobility, and thermodynamic stability) performed at Invitae indicates that this missense variant is not expected to disrupt YAP1 protein function. This variant has not been reported in the literature in individuals affected with YAP1-related conditions. This variant is present in population databases (rs779905640, gnomAD 0.003%). This sequence change replaces isoleucine, which is neutral and non-polar, with leucine, which is neutral and non-polar, at codon 54 of the YAP1 protein (p.Ile54Leu).

NM_001130145.3(YAP1):c.160A>C (p.Ile54Leu)

Gene: YAP1 (Yes1 associated transcriptional regulator; plus strand). Cytogenetic location: 11q22.1.
Variant type: single nucleotide variant.
Coding change: c.160A>C on transcript NM_001130145.3 (MANE Select); coding-DNA position 160, A replaced by C.
Protein change: p.Ile54Leu; replaces isoleucine 54 with leucine.
Molecular consequence: missense variant.
Genome position (GRCh38, 1-based): chr11:102,111,008, A>C. VCF-style: chr11-102111008-A-C. GRCh37 (hg19) VCF-style: chr11-101981739-A-C.
Other names: c.160A>C, p.Ile54Leu (NM_001195044.2, NM_001282097.2, NM_001282098.2 and 4 more transcripts); short protein forms I54L.
Identifiers: ClinVar variation 2868775 (VCV002868775.3), dbSNP rs779905640, ClinGen allele CA6246163.
Genomic context (GRCh38, chr11:102,111,008, plus strand): 5'-GGGCAACCGGCACCCGCGGCGACCCAGGCGGCGCCGCAGGCACCCCCCGCCGGGCATCAG[A>C]TCGTGCACGTCCGCGGGGACTCGGAGACCGACCTGGAGGCGCTCTTCAACGCCGTCATGA-3'
Protein context (NP_001123617.1, residues 44-64): APQAPPAGHQ[Ile54Leu]VHVRGDSETD